The following is an entry in ClinVar:

NM_139027.6(ADAMTS13):c.2087C>T (p.Ser696Leu)

Gene: ADAMTS13 (ADAM metallopeptidase with thrombospondin type 1 motif 13; plus strand). Cytogenetic location: 9q34.2.
Variant type: single nucleotide variant.
Coding change: c.2087C>T on transcript NM_139027.6 (MANE Select); coding-DNA position 2087, C replaced by T.
Protein change: p.Ser696Leu; replaces serine 696 with leucine.
Molecular consequence: missense variant.
Genome position (GRCh38, 1-based): chr9:133,442,517, C>T. VCF-style: chr9-133442517-C-T. GRCh37 (hg19) VCF-style: chr9-136307638-C-T.
Other names: c.2087C>T, p.Ser696Leu (NM_139025.5); c.1994C>T, p.Ser665Leu (NM_139026.6); c.2087C>T (NM_139025.3); short protein forms S665L, S696L.
Identifiers: ClinVar variation 1916318 (VCV001916318.5), dbSNP rs201605295, ClinGen allele CA200933938.

ClinVar aggregate classification (germline): Uncertain significance. Review status: criteria provided, multiple submitters, no conflicts (2 of 4 stars). 2 submissions from 2 submitters: Uncertain significance (2). Last evaluated 2024-08-14.

Conditions:
Inborn genetic diseases. Identifiers: MedGen C0950123, MeSH D030342.

Allele frequency attached by ClinVar (database versions not stated): 1000 Genomes Project 30x 0.00031; 1000 Genomes Project 0.00040.
gnomAD v4.1: 59 of 1,613,650 alleles (0.0037%); highest among the groups gnomAD compares: East Asian, 0.0045%; no homozygotes.

Submissions (2):

Labcorp Genetics (formerly Invitae), Labcorp
Classification: Uncertain significance. Last evaluated: 2024-08-14. Review status: criteria provided, single submitter. Criteria: Invitae Variant Classification Sherloc (09022015). Collection method: clinical testing. Allele origin: germline.
Comment: This sequence change replaces serine, which is neutral and polar, with leucine, which is neutral and non-polar, at codon 696 of the ADAMTS13 protein (p.Ser696Leu). This variant is present in population databases (rs201605295, gnomAD 0.01%). This variant has not been reported in the literature in individuals affected with ADAMTS13-related conditions. ClinVar contains an entry for this variant (Variation ID: 1916318). Invitae Evidence Modeling of protein sequence and biophysical properties (such as structural, functional, and spatial information, amino acid conservation, physicochemical variation, residue mobility, and thermodynamic stability) indicates that this missense variant is expected to disrupt ADAMTS13 protein function with a positive predictive value of 80%. In summary, the available evidence is currently insufficient to determine the role of this variant in disease. Therefore, it has been classified as a Variant of Uncertain Significance.

Ambry Genetics
Classification: Uncertain significance for Inborn genetic diseases. Last evaluated: 2024-02-27. Review status: criteria provided, single submitter. Criteria: Ambry Variant Classification Scheme 2023. Collection method: clinical testing. Allele origin: germline.